The following is an entry in ClinVar:

NM_004963.4(GUCY2C):c.1801A>G (p.Met601Val)

Gene: GUCY2C (guanylate cyclase 2C; minus strand). Cytogenetic location: 12p12.3.
Variant type: single nucleotide variant.
Coding change: c.1801A>G on transcript NM_004963.4 (MANE Select); coding-DNA position 1801, A replaced by G.
Protein change: p.Met601Val; replaces methionine 601 with valine.
Molecular consequence: missense variant.
Genome position (GRCh38, 1-based): chr12:14,643,703, T>C on the plus strand (A>G on the coding strand, the complement: GUCY2C is on the minus strand). VCF-style: chr12-14643703-T-C. GRCh37 (hg19) VCF-style: chr12-14796637-T-C.
Other names: short protein forms M601V.
Identifiers: ClinVar variation 1501348 (VCV001501348.8), dbSNP rs2137024314, ClinGen allele CA383986325.

ClinVar aggregate classification (germline): Uncertain significance (1 of 4 stars; one submission).

Allele frequency attached by ClinVar (database versions not stated): gnomAD exomes below 0.00001.
gnomAD v4.1: 2 of 1,610,102 alleles (0.00012%); highest among the groups gnomAD compares: African/African-American, 0.0013%; no homozygotes.

Submission:

Labcorp Genetics (formerly Invitae), Labcorp
Classification: Uncertain significance. Last evaluated: 2023-07-25. Review status: criteria provided, single submitter. Criteria: Invitae Variant Classification Sherloc (09022015). Collection method: clinical testing. Allele origin: germline.
Comment: ClinVar contains an entry for this variant (Variation ID: 1501348). Advanced modeling of protein sequence and biophysical properties (such as structural, functional, and spatial information, amino acid conservation, physicochemical variation, residue mobility, and thermodynamic stability) has been performed at Invitae for this missense variant, however the output from this modeling did not meet the statistical confidence thresholds required to predict the impact of this variant on GUCY2C protein function. This variant has not been reported in the literature in individuals affected with GUCY2C-related conditions. In summary, the available evidence is currently insufficient to determine the role of this variant in disease. Therefore, it has been classified as a Variant of Uncertain Significance. This variant is not present in population databases (gnomAD no frequency). This sequence change replaces methionine, which is neutral and non-polar, with valine, which is neutral and non-polar, at codon 601 of the GUCY2C protein (p.Met601Val).